The following is an entry in ClinVar:

ClinVar aggregate classification (germline): Uncertain significance (1 of 4 stars; one submission).

Conditions:
Charcot-Marie-Tooth disease type 2. Also called: Charcot-Marie-Tooth type 2. Identifiers: Orphanet 64746, MedGen C0270914, MONDO:0018993.

Allele frequency attached by ClinVar (database versions not stated): gnomAD exomes below 0.00001.
gnomAD v4.1: 2 of 1,613,792 alleles (0.00012%); highest among the groups gnomAD compares: Non-Finnish European, 0.00017%; no homozygotes.

Submission:

Labcorp Genetics (formerly Invitae), Labcorp
Classification: Uncertain significance for Charcot-Marie-Tooth disease type 2. Last evaluated: 2019-12-25. Review status: criteria provided, single submitter. Criteria: Invitae Variant Classification Sherloc (09022015). Collection method: clinical testing. Allele origin: germline.
Comment: This variant is not present in population databases (ExAC no frequency). This variant has not been reported in the literature in individuals with MFN2-related conditions. Algorithms developed to predict the effect of missense changes on protein structure and function (SIFT, PolyPhen-2, Align-GVGD) all suggest that this variant is likely to be tolerated, but these predictions have not been confirmed by published functional studies and their clinical significance is uncertain. In summary, the available evidence is currently insufficient to determine the role of this variant in disease. Therefore, it has been classified as a Variant of Uncertain Significance. This sequence change replaces methionine with isoleucine at codon 278 of the MFN2 protein (p.Met278Ile). The methionine residue is highly conserved and there is a small physicochemical difference between methionine and isoleucine.

NM_014874.4(MFN2):c.834G>A (p.Met278Ile)

Gene: MFN2 (mitofusin 2; plus strand). Cytogenetic location: 1p36.22.
Variant type: single nucleotide variant.
Coding change: c.834G>A on transcript NM_014874.4 (MANE Select); coding-DNA position 834, G replaced by A.
Protein change: p.Met278Ile; replaces methionine 278 with isoleucine.
Molecular consequence: missense variant.
Genome position (GRCh38, 1-based): chr1:12,001,418, G>A. VCF-style: chr1-12001418-G-A. GRCh37 (hg19) VCF-style: chr1-12061475-G-A.
Other names: c.834G>A, p.Met278Ile (NM_001127660.2); short protein forms M278I.
Identifiers: ClinVar variation 849915 (VCV000849915.9), dbSNP rs1639167341, ClinGen allele CA338441464.